The following is an entry in ClinVar:

ClinVar aggregate classification (germline): Uncertain significance (1 of 4 stars; one submission).

Conditions:
Oligosynaptic infertility (SPGF1). Also called: SPERMATOGENIC FAILURE 1; OLIGOCHIASMATIC INFERTILITY. Identifiers: MedGen C0403810, MONDO:0009776, OMIM 258150.
46 XY differences of sex development. Also called: 46, XY disorder of sex development (DSD); 46,XY disorder of sex development. Identifiers: Orphanet 98085, MedGen C2751824, MONDO:0020040.

Allele frequency attached by ClinVar (database versions not stated): gnomAD exomes below 0.00001; TOPMed 0.00001; ExAC 0.00001.
gnomAD v4.1: 5 of 1,612,894 alleles (0.00031%); highest among the groups gnomAD compares: Non-Finnish European, 0.00034%; no homozygotes.

Submission:

Labcorp Genetics (formerly Invitae), Labcorp
Classification: Uncertain significance for 46 XY differences of sex development; Oligosynaptic infertility. Last evaluated: 2022-12-13. Review status: criteria provided, single submitter. Criteria: Invitae Variant Classification Sherloc (09022015). Collection method: clinical testing. Allele origin: germline.
Comment: This sequence change replaces arginine, which is basic and polar, with lysine, which is basic and polar, at codon 267 of the NR5A1 protein (p.Arg267Lys). This variant is present in population databases (rs747689798, gnomAD 0.0009%). This missense change has been observed in individual(s) with azoospermia and unilateral cryptorchidism (PMID: 25989977). Advanced modeling of protein sequence and biophysical properties (such as structural, functional, and spatial information, amino acid conservation, physicochemical variation, residue mobility, and thermodynamic stability) performed at Invitae indicates that this missense variant is not expected to disrupt NR5A1 protein function. Experimental studies are conflicting or provide insufficient evidence to determine the effect of this variant on NR5A1 function (PMID: 25989977). In summary, the available evidence is currently insufficient to determine the role of this variant in disease. Therefore, it has been classified as a Variant of Uncertain Significance.

Literature cited by the submitters: PubMed 25989977.

NM_004959.5(NR5A1):c.800G>A (p.Arg267Lys)

Gene: NR5A1 (nuclear receptor subfamily 5 group A member 1; minus strand). Cytogenetic location: 9q33.3.
Variant type: single nucleotide variant.
Coding change: c.800G>A on transcript NM_004959.5 (MANE Select); coding-DNA position 800, G replaced by A.
Protein change: p.Arg267Lys; replaces arginine 267 with lysine.
Molecular consequence: missense variant.
Genome position (GRCh38, 1-based): chr9:124,500,160, C>T on the plus strand (G>A on the coding strand, the complement: NR5A1 is on the minus strand). VCF-style: chr9-124500160-C-T. GRCh37 (hg19) VCF-style: chr9-127262439-C-T.
Other names: short protein forms R267K.
Identifiers: ClinVar variation 2136805 (VCV002136805.4), dbSNP rs747689798, ClinGen allele CA5235393.